The following is an entry in ClinVar:

NM_015213.4(DENND5A):c.1947T>C (p.Thr649=)

Gene: DENND5A (DENN domain containing 5A; minus strand). Cytogenetic location: 11p15.4.
Variant type: single nucleotide variant.
Coding change: c.1947T>C on transcript NM_015213.4 (MANE Select); coding-DNA position 1947, T replaced by C.
Protein change: p.Thr649=; no amino-acid change (threonine 649 retained).
Molecular consequence: synonymous variant. On other transcripts: non-coding transcript variant (1).
Genome position (GRCh38, 1-based): chr11:9,170,737, A>G on the plus strand (T>C on the coding strand, the complement: DENND5A is on the minus strand). VCF-style: chr11-9170737-A-G. GRCh37 (hg19) VCF-style: chr11-9192284-A-G.
Other names: c.1947T>C, p.Thr649= (NM_001243254.2); c.1875T>C, p.Thr625= (NM_001348749.2); c.1659T>C, p.Thr553= (NM_001348750.2); c.1947T>C (NM_015213.3).
Identifiers: ClinVar variation 1590581 (VCV001590581.12), dbSNP rs149253278, ClinGen allele CA5877469.
Genomic context (GRCh38, chr11:9,170,737, plus strand): 5'-GAAGCCCGGCTCATATTTCCCTTGTCCAATCTTCATGTCAAGTAAATGTGGGTGAATTGC[A>G]GTATGGTCAATTTTTGCCAGACGCAGCTCAATTGCTTTCTCTGGATGAGAATACACACAC-3'
Protein context (NP_056028.2, residues 639-659): IELRLAKIDH[Thr649=]AIHPHLLDMK

ClinVar aggregate classification (germline): Benign/Likely benign. Review status: criteria provided, multiple submitters, no conflicts (2 of 4 stars). 4 submissions from 4 submitters: Benign (2); Likely benign (1). 1 of the submissions does not count toward it. Last evaluated 2025-12-01.

Conditions:
DENND5A-related disorder. Also called: DENND5A-related condition.

Allele frequency attached by ClinVar (database versions not stated): gnomAD exomes 0.00004 and 0.00014; ExAC 0.00018; ESP Exome Variant Server 0.00046; TOPMed 0.00050; gnomAD 0.00056 and 0.00059; 1000 Genomes Project 0.00100; 1000 Genomes Project 30x 0.00125.
gnomAD v4.1: 152 of 1,613,772 alleles (0.0094%); highest among the groups gnomAD compares: African/African-American, 0.17%; no homozygotes.

Submissions (4):

Labcorp Genetics (formerly Invitae), Labcorp
Classification: Benign. Last evaluated: 2025-12-01. Review status: criteria provided, single submitter. Criteria: Invitae Variant Classification Sherloc (09022015). Collection method: clinical testing. Allele origin: germline.

Blueprint Genetics
Classification: Likely benign. Last evaluated: 2024-08-28. Review status: criteria provided, single submitter. Criteria: ACMG Guidelines, 2015. Collection method: clinical testing. Allele origin: germline.

Breakthrough Genomics
Classification: Benign. Review status: criteria provided, single submitter. Criteria: ACMG Guidelines, 2015. Collection method: not provided. Allele origin: germline. Inheritance: Autosomal recessive inheritance. Affected: yes.

PreventionGenetics, part of Exact Sciences
Classification: Likely benign for DENND5A-related condition. Last evaluated: 2019-07-18. Review status: no assertion criteria provided. Collection method: clinical testing. Allele origin: germline. Not counted in ClinVar's aggregate classification.
Comment: This variant is classified as likely benign based on ACMG/AMP sequence variant interpretation guidelines (Richards et al. 2015 PMID: 25741868, with internal and published modifications).